The following is an entry in ClinVar:

NM_004629.2(FANCG):c.1135del (p.Glu379fs)

Gene: FANCG (FA complementation group G; minus strand). Cytogenetic location: 9p13.3.
Variant type: Deletion.
Coding change: c.1135del on transcript NM_004629.2 (MANE Select); coding-DNA position 1135, one base deleted (G; older notation c.1135delG).
Protein change: p.Glu379fs; shifts the reading frame from glutamic acid 379.
Molecular consequence: frameshift variant.
Genome position (GRCh38, 1-based): chr9:35,075,970, C deleted on the plus strand (G on the coding strand, the reverse complement: FANCG is on the minus strand); the first of 2 consecutive C bases (chr9:35,075,970-35,075,971); deleting either gives the same sequence. VCF-style (leftmost placement, unchanged base first): chr9-35075969-TC-T. GRCh37 (hg19) VCF-style: chr9-35075966-TC-T.
Other names: c.1134delG, p.Glu379Serfs (NM_004629.1); short protein forms E379fs.
Identifiers: ClinVar variation 4815361 (VCV004815361.1).

ClinVar aggregate classification (germline): Likely pathogenic (1 of 4 stars; one submission).

Conditions:
Fanconi anemia complementation group G. Also called: FANCG-Related Fanconi Anemia; Fanconi anemia group G. Identifiers: Orphanet 84, MedGen C3469527, MONDO:0013565, OMIM 614082.

Submission:

Natera, Inc.
Classification: Likely pathogenic for Fanconi anemia group G. Last evaluated: 2024-05-03. Review status: criteria provided, single submitter. Criteria: Natera Variant Classification Schema (03/2026). Collection method: clinical testing. Allele origin: germline.
Comment: The c.1135del variant in FANCG is a frameshift variant predicted to shift the reading frame beginning at codon 379 and leads to a stop codon 24 codons downstream. This variant is expected to result in nonsense mediated decay, truncation, or a dysfunctional protein product. This variant is rare in the general population with a frequency below the threshold expected for the associated phenotype(s). Given the available evidence, this variant is classified as Likely Pathogenic.